The following is an entry in ClinVar:

NM_001972.4(ELANE):c.644T>C (p.Ile215Thr)

Gene: ELANE (elastase, neutrophil expressed; plus strand). Cytogenetic location: 19p13.3.
Variant type: single nucleotide variant.
Coding change: c.644T>C on transcript NM_001972.4 (MANE Select); coding-DNA position 644, T replaced by C.
Protein change: p.Ile215Thr; replaces isoleucine 215 with threonine.
Molecular consequence: missense variant.
Genome position (GRCh38, 1-based): chr19:856,004, T>C. VCF-style: chr19-856004-T-C. GRCh37 (hg19) VCF-style: chr19-856004-T-C.
Other names: short protein forms I215T.
Identifiers: ClinVar variation 2937101 (VCV002937101.4), dbSNP rs771710628, ClinGen allele CA402919011.
Genomic context (GRCh38, chr19:856,004, plus strand): 5'-GTCTGCCTCCACAGGGGGACTCCGGCAGCCCCTTGGTCTGCAACGGGCTAATCCACGGAA[T>C]TGCCTCCTTCGTCCGGGGAGGCTGCGCCTCAGGGCTCTACCCCGATGCCTTTGCCCCGGT-3'
Protein context (NP_001963.1, residues 205-225): PLVCNGLIHG[Ile215Thr]ASFVRGGCAS

ClinVar aggregate classification (germline): Uncertain significance. Review status: criteria provided, multiple submitters, no conflicts (2 of 4 stars). 2 submissions from 2 submitters: Uncertain significance (2). Last evaluated 2024-12-14.

Conditions:
Neutropenia, severe congenital, 1, autosomal dominant. Identifiers: MedGen C1859966, MONDO:0042490, OMIM 202700.
Cyclical neutropenia. Also called: Cyclic hematopoiesis; Cyclic Neutropenia. Identifiers: Orphanet 2686, MedGen C0221023, MONDO:0008090, OMIM 162800, HP:0040289. Disease mechanism: loss of function.
Inborn genetic diseases. Identifiers: MedGen C0950123, MeSH D030342.

Submissions (2):

Ambry Genetics
Classification: Uncertain significance for Inborn genetic diseases. Last evaluated: 2024-12-14. Review status: criteria provided, single submitter. Criteria: Ambry Variant Classification Scheme 2023. Collection method: clinical testing. Allele origin: germline.
Comment: The p.I215T variant (also known as c.644T>C), located in coding exon 5 of the ELANE gene, results from a T to C substitution at nucleotide position 644. The isoleucine at codon 215 is replaced by threonine, an amino acid with similar properties. This amino acid position is conserved. In addition, this alteration is predicted to be deleterious by in silico analysis. Based on the available evidence, the clinical significance of this variant remains unclear.

Labcorp Genetics (formerly Invitae), Labcorp
Classification: Uncertain significance for Neutropenia, severe congenital, 1, autosomal dominant; Cyclical neutropenia. Last evaluated: 2023-07-12. Review status: criteria provided, single submitter. Criteria: Invitae Variant Classification Sherloc (09022015). Collection method: clinical testing. Allele origin: germline.
Comment: This sequence change replaces isoleucine, which is neutral and non-polar, with threonine, which is neutral and polar, at codon 215 of the ELANE protein (p.Ile215Thr). This variant is not present in population databases (gnomAD no frequency). This variant has not been reported in the literature in individuals affected with ELANE-related conditions. Advanced modeling of protein sequence and biophysical properties (such as structural, functional, and spatial information, amino acid conservation, physicochemical variation, residue mobility, and thermodynamic stability) performed at Invitae indicates that this missense variant is expected to disrupt ELANE protein function. In summary, the available evidence is currently insufficient to determine the role of this variant in disease. Therefore, it has been classified as a Variant of Uncertain Significance.